The following is an entry in ClinVar:

NM_000143.4(FH):c.935T>C (p.Phe312Ser)

Gene: FH (fumarate hydratase; minus strand). Cytogenetic location: 1q43.
Variant type: single nucleotide variant.
Coding change: c.935T>C on transcript NM_000143.4 (MANE Select); coding-DNA position 935, T replaced by C.
Protein change: p.Phe312Ser; replaces phenylalanine 312 with serine.
Molecular consequence: missense variant.
Genome position (GRCh38, 1-based): chr1:241,504,215, A>G on the plus strand (T>C on the coding strand, the complement: FH is on the minus strand). VCF-style: chr1-241504215-A-G. GRCh37 (hg19) VCF-style: chr1-241667515-A-G.
Other names: short protein forms F312S.
Identifiers: ClinVar variation 846829 (VCV000846829.18), dbSNP rs1553341046, ClinGen allele CA345438377.

ClinVar aggregate classification (germline): Pathogenic/Likely pathogenic. Review status: criteria provided, multiple submitters, no conflicts (2 of 4 stars). 3 submissions from 3 submitters: Pathogenic (2); Likely pathogenic (1). Last evaluated 2024-12-20.

Conditions:
Hereditary cancer-predisposing syndrome. Also called: Tumor predisposition; Hereditary neoplastic syndrome; Neoplastic Syndromes, Hereditary; Hereditary Cancer Syndrome. Identifiers: Orphanet 140162, MedGen C0027672, MeSH D009386, MONDO:0015356.

Submissions (3):

Ambry Genetics
Classification: Pathogenic for Hereditary cancer-predisposing syndrome. Last evaluated: 2024-12-20. Review status: criteria provided, single submitter. Criteria: Ambry Variant Classification Scheme 2023. Collection method: clinical testing. Allele origin: germline.
Comment: The p.F312S pathogenic mutation (also known as c.935T>C), located in coding exon 7 of the FH gene, results from a T to C substitution at nucleotide position 935. The phenylalanine at codon 312 is replaced by serine, an amino acid with highly dissimilar properties. Another alteration at the same codon, p.F312L (c.934T>C), co-segregated with disease in 4/4 individuals from one family tested in our laboratory (Ambry internal data). The p.F312S alteration has been observed in at least one individual with a personal and/or family history that is consistent with HLRCC-related disease (Ambry internal data). This variant (previously designated as p.Phe269Ser) has also been identified in the literature in an individual with suspected HLRCC; FH activity from lymphoblastoid cell lines from this individual was 36% compared to wildtype (Gardie B et al. J Med Genet, 2011 Apr;48:226-34). This amino acid position is highly conserved in available vertebrate species. In addition, this alteration is predicted to be deleterious by in silico analysis. This variant is considered to be rare based on population cohorts in the Genome Aggregation Database (gnomAD). Based on the supporting evidence, this alteration is interpreted as a disease-causing mutation.

GeneDx
Classification: Likely pathogenic. Last evaluated: 2024-09-10. Review status: criteria provided, single submitter. Criteria: GeneDx Variant Classification Process June 2021. Collection method: clinical testing. Allele origin: germline. Affected: yes.
Comment: Not observed at significant frequency in large population cohorts (gnomAD); Also known as c.806T>C, p.Phe269Ser; In silico analysis supports that this missense variant has a deleterious effect on protein structure/function; This variant is associated with the following publications: (PMID: 21398687, 27240081)

Labcorp Genetics (formerly Invitae), Labcorp
Classification: Pathogenic. Last evaluated: 2024-02-22. Review status: criteria provided, single submitter. Criteria: Invitae Variant Classification Sherloc (09022015). Collection method: clinical testing. Allele origin: germline.
Comment: This sequence change replaces phenylalanine, which is neutral and non-polar, with serine, which is neutral and polar, at codon 312 of the FH protein (p.Phe312Ser). This variant is not present in population databases (gnomAD no frequency). This missense change has been observed in individuals with clinical features of hereditary leiomyomatosis and renal cell cancer (PMID: 21398687; Invitae). ClinVar contains an entry for this variant (Variation ID: 846829). Advanced modeling of protein sequence and biophysical properties (such as structural, functional, and spatial information, amino acid conservation, physicochemical variation, residue mobility, and thermodynamic stability) performed at Invitae indicates that this missense variant is expected to disrupt FH protein function with a positive predictive value of 95%. Experimental studies have shown that this missense change affects FH function (PMID: 21398687). This variant disrupts the p.Phe312 amino acid residue in FH. Other variant(s) that disrupt this residue have been determined to be pathogenic (PMID: 9635293; Invitae). This suggests that this residue is clinically significant, and that variants that disrupt this residue are likely to be disease-causing. For these reasons, this variant has been classified as Pathogenic.

Literature cited by the submitters: PubMed 21398687 (cited by Ambry Genetics and Labcorp Genetics (formerly Invitae), Labcorp); PubMed 9635293 (cited by Labcorp Genetics (formerly Invitae), Labcorp).